The following is an entry in ClinVar:

NM_000336.3(SCNN1B):c.1554G>A (p.Leu518=)

Gene: SCNN1B (sodium channel epithelial 1 subunit beta; plus strand). Cytogenetic location: 16p12.2.
Variant type: single nucleotide variant.
Coding change: c.1554G>A on transcript NM_000336.3 (MANE Select); coding-DNA position 1554, G replaced by A.
Protein change: p.Leu518=; no amino-acid change (leucine 518 retained).
Molecular consequence: synonymous variant.
Genome position (GRCh38, 1-based): chr16:23,380,432, G>A. VCF-style: chr16-23380432-G-A. GRCh37 (hg19) VCF-style: chr16-23391753-G-A.
Identifiers: ClinVar variation 517338 (VCV000517338.5), dbSNP rs1351010659, ClinGen allele CA494459791.

ClinVar aggregate classification (germline): Likely benign (1 of 4 stars; one submission).

Submission:

Laboratory for Molecular Medicine, Mass General Brigham Personalized Medicine
Classification: Likely benign. Last evaluated: 2017-03-20. Review status: criteria provided, single submitter. Criteria: LMM Criteria. Collection method: clinical testing. Allele origin: germline. Observed: 1 variant allele.
Comment: p.Leu518Leu in exon 13 of SCNN1B: This variant is not expected to have clinical significance because it does not alter an amino acid residue and is not located within the splice consensus sequence.